The following is an entry in ClinVar:

ClinVar aggregate classification (germline): Likely benign. Review status: criteria provided, multiple submitters, no conflicts (2 of 4 stars). 4 submissions from 4 submitters: Likely benign (4). Last evaluated 2026-06-01.

Conditions:
Inborn genetic diseases. Identifiers: MedGen C0950123, MeSH D030342.
Cornelia de Lange syndrome 3 (CDLS3). Also called: CORNELIA DE LANGE SYNDROME 3 WITH OR WITHOUT MIDLINE BRAIN DEFECTS; SMC3-Related Cornelia de Lange Syndrome. Identifiers: Orphanet 199, MedGen C1853099, MONDO:0012555, OMIM 610759.

Allele frequency attached by ClinVar (database versions not stated): gnomAD 0.00001; TOPMed 0.00001; gnomAD exomes 0.00003 and 0.00006; ExAC 0.00006.

Submissions (4):

CeGaT Center for Human Genetics Tuebingen
Classification: Likely benign. Last evaluated: 2026-06-01. Review status: criteria provided, single submitter. Criteria: CeGaT Center For Human Genetics Tuebingen Variant Classification Criteria Version 2. Collection method: clinical testing. Allele origin: germline. Affected: yes. Observed: 1 variant allele.
Comment: SMC3: BP4, BP7

Labcorp Genetics (formerly Invitae), Labcorp
Classification: Likely benign for Cornelia de Lange syndrome 3. Last evaluated: 2024-08-19. Review status: criteria provided, single submitter. Criteria: Invitae Variant Classification Sherloc (09022015). Collection method: clinical testing. Allele origin: germline.

Ambry Genetics
Classification: Likely benign for Inborn genetic diseases. Last evaluated: 2018-07-10. Review status: criteria provided, single submitter. Criteria: Ambry Variant Classification Scheme 2023. Collection method: clinical testing. Allele origin: germline.

Athena Diagnostics
Classification: Likely benign. Last evaluated: 2016-09-16. Review status: criteria provided, single submitter. Criteria: Athena Diagnostics Criteria. Collection method: clinical testing. Allele origin: germline.

NM_005445.4(SMC3):c.3228G>A (p.Glu1076=)

Gene: SMC3 (structural maintenance of chromosomes 3; plus strand). Cytogenetic location: 10q25.2.
Variant type: single nucleotide variant.
Coding change: c.3228G>A on transcript NM_005445.4 (MANE Select); coding-DNA position 3228, G replaced by A.
Protein change: p.Glu1076=; no amino-acid change (glutamic acid 1076 retained).
Molecular consequence: synonymous variant.
Genome position (GRCh38, 1-based): chr10:110,602,596, G>A. VCF-style: chr10-110602596-G-A. GRCh37 (hg19) VCF-style: chr10-112362354-G-A.
Identifiers: ClinVar variation 448422 (VCV000448422.8), dbSNP rs768560730, ClinGen allele CA5688372.
Genomic context (GRCh38, chr10:110,602,596, plus strand): 5'-GATGAAGAAAGGAGATGTGGAGGGCAGTCAGTCTCAAGATGAAGGAGAAGGGAGTGGTGA[G>A]AGTGAGAGGGGTTCTGGCTCACAAAGCAGTGTCCCATCAGTTGACCAGTTTACTGGAGTT-3'
Protein context (NP_005436.1, residues 1066-1086): QSQDEGEGSG[Glu1076=]SERGSGSQSS